The following is an entry in ClinVar:

NM_022081.6(HPS4):c.2020G>T (p.Ala674Ser)

Gene: HPS4 (HPS4 biogenesis of lysosomal organelles complex 3 subunit 2; minus strand). Cytogenetic location: 22q12.1.
Variant type: single nucleotide variant.
Coding change: c.2020G>T on transcript NM_022081.6 (MANE Select); coding-DNA position 2020, G replaced by T.
Protein change: p.Ala674Ser; replaces alanine 674 with serine.
Molecular consequence: missense variant. On other transcripts: non-coding transcript variant (8), intron variant (2).
Genome position (GRCh38, 1-based): chr22:26,453,340, C>A on the plus strand (G>T on the coding strand, the complement: HPS4 is on the minus strand). VCF-style: chr22-26453340-C-A. GRCh37 (hg19) VCF-style: chr22-26849306-C-A.
Other names: c.2020G>T, p.Ala674Ser (NM_001349896.1, NM_001349898.2, NM_001349899.2); c.2074G>T, p.Ala692Ser (NM_001349900.2, NM_001349901.1); c.1778G>T, p.Gly593Val (NM_001349902.1, NM_001349903.2); c.2005G>T, p.Ala669Ser (NM_152841.2); c.1955+4519G>T (NM_001349905.1, NM_001349904.2); short protein forms A674S, A692S, G593V, A669S.
Identifiers: ClinVar variation 1353806 (VCV001353806.6), dbSNP rs2085515521, ClinGen allele CA411023019.
Genomic context (GRCh38, chr22:26,453,340, plus strand): 5'-CGGAGAGGCTGAAGGCGCCATCCTGAGGGTTTGGGAAGCCGGAGCTCCGTGCTGCAGGTG[C>A]CAGCTGCTGGAAATATGTCTCCTGGATGGGGTTGCAACAGGCGTACACAGCCGTGGAGGC-3'
Protein context (NP_071364.4, residues 664-684): PIQETYFQQL[Ala674Ser]PAARSSGFPN

ClinVar aggregate classification (germline): Uncertain significance (1 of 4 stars; one submission).

gnomAD v4.1: 1 of 1,614,150 alleles (0.000062%); highest among the groups gnomAD compares: Non-Finnish European, 0.000085%; no homozygotes.

Submission:

Labcorp Genetics (formerly Invitae), Labcorp
Classification: Uncertain significance. Last evaluated: 2022-07-19. Review status: criteria provided, single submitter. Criteria: Invitae Variant Classification Sherloc (09022015). Collection method: clinical testing. Allele origin: germline.
Comment: In summary, the available evidence is currently insufficient to determine the role of this variant in disease. Therefore, it has been classified as a Variant of Uncertain Significance. Algorithms developed to predict the effect of missense changes on protein structure and function are either unavailable or do not agree on the potential impact of this missense change (SIFT: "Tolerated"; PolyPhen-2: "Possibly Damaging"; Align-GVGD: "Class C0"). ClinVar contains an entry for this variant (Variation ID: 1353806). This variant has not been reported in the literature in individuals affected with HPS4-related conditions. This variant is not present in population databases (gnomAD no frequency). This sequence change replaces alanine, which is neutral and non-polar, with serine, which is neutral and polar, at codon 674 of the HPS4 protein (p.Ala674Ser).